The following is an entry in ClinVar:

NM_001017979.3(RAB28):c.410G>A (p.Arg137Gln)

Gene: RAB28 (RAB28, member RAS oncogene family; minus strand). Cytogenetic location: 4p15.33.
Variant type: single nucleotide variant.
Coding change: c.410G>A on transcript NM_001017979.3 (MANE Select); coding-DNA position 410, G replaced by A.
Protein change: p.Arg137Gln; replaces arginine 137 with glutamine.
Molecular consequence: missense variant.
Genome position (GRCh38, 1-based): chr4:13,381,576, C>T on the plus strand (G>A on the coding strand, the complement: RAB28 is on the minus strand). VCF-style: chr4-13381576-C-T. GRCh37 (hg19) VCF-style: chr4-13383200-C-T.
Other names: c.410G>A, p.Arg137Gln (NM_001159601.2, NM_004249.4); c.410G>A (NM_001017979.2); short protein forms R137Q.
Identifiers: ClinVar variation 1521015 (VCV001521015.6), dbSNP rs766643572, ClinGen allele CA2860091.

ClinVar aggregate classification (germline): Uncertain significance. Review status: criteria provided, multiple submitters, no conflicts (2 of 4 stars). 2 submissions from 2 submitters: Uncertain significance (2). Last evaluated 2025-10-15.

Allele frequency attached by ClinVar (database versions not stated): gnomAD exomes 0.00001 and 0.00002; ExAC 0.00002; gnomAD 0.00001; TOPMed 0.00002.
gnomAD v4.1: 29 of 1,612,200 alleles (0.0018%); highest among the groups gnomAD compares: Non-Finnish European, 0.0023%; no homozygotes.

Submissions (2):

Ambry Genetics
Classification: Uncertain significance. Last evaluated: 2025-10-15. Review status: criteria provided, single submitter. Criteria: Ambry Variant Classification Scheme 2023. Collection method: clinical testing. Allele origin: germline.

Labcorp Genetics (formerly Invitae), Labcorp
Classification: Uncertain significance. Last evaluated: 2022-08-31. Review status: criteria provided, single submitter. Criteria: Invitae Variant Classification Sherloc (09022015). Collection method: clinical testing. Allele origin: germline.
Comment: This variant is present in population databases (rs766643572, gnomAD 0.003%). This variant has not been reported in the literature in individuals affected with RAB28-related conditions. ClinVar contains an entry for this variant (Variation ID: 1521015). Algorithms developed to predict the effect of missense changes on protein structure and function are either unavailable or do not agree on the potential impact of this missense change (SIFT: "Deleterious"; PolyPhen-2: "Benign"; Align-GVGD: "Class C35"). In summary, the available evidence is currently insufficient to determine the role of this variant in disease. Therefore, it has been classified as a Variant of Uncertain Significance. This sequence change replaces arginine, which is basic and polar, with glutamine, which is neutral and polar, at codon 137 of the RAB28 protein (p.Arg137Gln).